The following is an entry in ClinVar:

ClinVar aggregate classification (germline): Uncertain significance. Review status: criteria provided, multiple submitters, no conflicts (2 of 4 stars). 5 submissions from 5 submitters: Uncertain significance (5). Last evaluated 2026-06-22.

Conditions:
TPRN-related disorder. Also called: TPRN-related condition.
Inborn genetic diseases. Identifiers: MedGen C0950123, MeSH D030342.

Allele frequency attached by ClinVar (database versions not stated): ExAC 0.00002; gnomAD exomes 0.00002; gnomAD 0.00007 and 0.00008; TOPMed 0.00008; ESP Exome Variant Server 0.00015.

Submissions (5):

PreventionGenetics, part of Exact Sciences
Classification: Uncertain significance for TPRN-related condition. Last evaluated: 2026-06-22. Review status: criteria provided, single submitter. Criteria: ACMG Guidelines, 2015. Collection method: clinical testing. Allele origin: germline.
Comment: The TPRN c.1655T>A variant is predicted to result in the amino acid substitution p.Ile552Asn. To our knowledge, this variant has not been reported in the literature. This variant is reported in 0.0055% of alleles in individuals of European (Non-Finnish) descent in gnomAD. At this time, the clinical significance of this variant is uncertain due to the absence of conclusive functional and genetic evidence.

Labcorp Genetics (formerly Invitae), Labcorp
Classification: Uncertain significance. Last evaluated: 2025-10-26. Review status: criteria provided, single submitter. Criteria: Invitae Variant Classification Sherloc (09022015). Collection method: clinical testing. Allele origin: germline.
Comment: This sequence change replaces isoleucine, which is neutral and non-polar, with asparagine, which is neutral and polar, at codon 552 of the TPRN protein (p.Ile552Asn). This variant is present in population databases (rs140980246, gnomAD 0.006%). This variant has not been reported in the literature in individuals affected with TPRN-related conditions. ClinVar contains an entry for this variant (Variation ID: 1012849). Invitae Evidence Modeling of protein sequence and biophysical properties (such as structural, functional, and spatial information, amino acid conservation, physicochemical variation, residue mobility, and thermodynamic stability) indicates that this missense variant is expected to disrupt TPRN protein function with a positive predictive value of 80%. In summary, the available evidence is currently insufficient to determine the role of this variant in disease. Therefore, it has been classified as a Variant of Uncertain Significance.

Ambry Genetics
Classification: Uncertain significance for Inborn genetic diseases. Last evaluated: 2025-08-27. Review status: criteria provided, single submitter. Criteria: Ambry Variant Classification Scheme 2023. Collection method: clinical testing. Allele origin: germline.

Blueprint Genetics
Classification: Uncertain significance. Last evaluated: 2024-11-25. Review status: criteria provided, single submitter. Criteria: ACMG Guidelines, 2015. Collection method: clinical testing. Allele origin: germline.

CeGaT Center for Human Genetics Tuebingen
Classification: Uncertain significance. Last evaluated: 2020-10-01. Review status: criteria provided, single submitter. Criteria: CeGaT Center For Human Genetics Tuebingen Variant Classification Criteria Version 2. Collection method: clinical testing. Allele origin: germline. Affected: yes. Observed: 1 variant allele.

NM_001128228.3(TPRN):c.1655T>A (p.Ile552Asn)

Gene: TPRN (taperin; minus strand). Cytogenetic location: 9q34.3.
Variant type: single nucleotide variant.
Coding change: c.1655T>A on transcript NM_001128228.3 (MANE Select); coding-DNA position 1655, T replaced by A.
Protein change: p.Ile552Asn; replaces isoleucine 552 with asparagine.
Molecular consequence: missense variant.
Genome position (GRCh38, 1-based): chr9:137,199,057, A>T on the plus strand (T>A on the coding strand, the complement: TPRN is on the minus strand). VCF-style: chr9-137199057-A-T. GRCh37 (hg19) VCF-style: chr9-140093509-A-T.
Other names: c.1655T>A (NM_001128228.2); short protein forms I552N.
Identifiers: ClinVar variation 1012849 (VCV001012849.48), dbSNP rs140980246, ClinGen allele CA5362686.
Genomic context (GRCh38, chr9:137,199,057, plus strand): 5'-GAGGAGCCAGCCTTGGTGAGGCAGGACTTCTGCAGGGCCAGGTAGCCGCCAATCACCTCG[A>T]TCTCATGCACGGTGGGGTAGCGCTTCTTCAACGTGGGCCCCAGGAGGCAACTAGCCTCCT-3'
Protein context (NP_001121700.2, residues 542-562): LKKRYPTVHE[Ile552Asn]EVIGGYLALQ